The following is an entry in ClinVar:

ClinVar aggregate classification (germline): Likely benign (1 of 4 stars; one submission).

Allele frequency attached by ClinVar (database versions not stated): gnomAD exomes 0.00001 and 0.00004; gnomAD 0.00006; TOPMed 0.00006; ExAC 0.00007; ESP Exome Variant Server 0.00023.
gnomAD v4.1: 18 of 1,607,604 alleles (0.0011%); highest among the groups gnomAD compares: African/African-American, 0.024%; no homozygotes.

Submission:

GeneDx
Classification: Likely benign. Last evaluated: 2017-03-21. Review status: criteria provided, single submitter. Criteria: GeneDx Variant Classification (06012015). Collection method: clinical testing. Allele origin: germline. Affected: yes.
Comment: This variant is considered likely benign or benign based on one or more of the following criteria: it is a conservative change, it occurs at a poorly conserved position in the protein, it is predicted to be benign by multiple in silico algorithms, and/or has population frequency not consistent with disease.

NM_004393.6(DAG1):c.-34C>T

Gene: DAG1 (dystroglycan 1; plus strand). Cytogenetic location: 3p21.31.
Variant type: single nucleotide variant.
Coding change: c.-34C>T on transcript NM_004393.6 (MANE Select); 34 bases upstream of the start codon, C replaced by T.
Molecular consequence: 5 prime UTR variant.
Genome position (GRCh38, 1-based): chr3:49,510,501, C>T. VCF-style: chr3-49510501-C-T. GRCh37 (hg19) VCF-style: chr3-49547934-C-T.
Other names: c.-34C>T (NM_001165928.4, NM_001177634.3, NM_001177635.3 and 9 more transcripts).
Identifiers: ClinVar variation 508199 (VCV000508199.2), dbSNP rs372102352, ClinGen allele CA2398794.
Genomic context (GRCh38, chr3:49,510,501, plus strand): 5'-GCAGGTGTGCAGAGGGTGAGAACCCAGCTCTGGGACCAAGTCACTTGCTTCCTTACTTAG[C>T]AAGACTATCGACTTGAGCAAACTTGGACCTGGGATGAGGATGTCTGTGGGCCTCTCGCTG-3'